The following is an entry in ClinVar:

ClinVar aggregate classification (germline): Benign/Likely benign. Review status: criteria provided, multiple submitters, no conflicts (2 of 4 stars). 5 submissions from 5 submitters: Benign (2); Likely benign (2). 1 of the submissions does not count toward it. Last evaluated 2025-02-16.

Conditions:
ATXN1-related disorder. Also called: ATXN1-related condition.
Spinocerebellar ataxia type 1 (SCA1). Also called: SCHUT-HAYMAKER TYPE OPCA; SPINOCEREBELLAR ATROPHY I; OLIVOPONTOCEREBELLAR ATROPHY I; OLIVOPONTOCEREBELLAR ATROPHY IV; CEREBELLOPARENCHYMAL DISORDER I; MENZEL TYPE OPCA. Identifiers: Orphanet 98755, MedGen C0752120, MONDO:0008119, OMIM 164400.

Submissions (5):

Laboratory of Genetics, Children's Clinical University Hospital Latvia
Classification: Benign. Last evaluated: 2025-02-16. Review status: criteria provided, single submitter. Criteria: ACMG Guidelines, 2015. Collection method: clinical testing. Allele origin: germline. Affected: yes.

Blueprint Genetics
Classification: Likely benign. Last evaluated: 2024-11-27. Review status: criteria provided, single submitter. Criteria: ACMG Guidelines, 2015. Collection method: clinical testing. Allele origin: germline.

Clinical Genetics DNA and cytogenetics Diagnostics Lab, Erasmus MC, Erasmus Medical Center
Classification: Benign for Spinocerebellar ataxia type 1. Last evaluated: 2017-05-17. Review status: criteria provided, single submitter. Criteria: ACGS Guidelines, 2013. Collection method: clinical testing. Allele origin: germline. Affected: yes. Study: VKGL Data-share Consensus.

Genomic Diagnostic Laboratory, Division of Genomic Diagnostics, Children's Hospital of Philadelphia
Classification: Likely benign. Last evaluated: 2015-07-10. Review status: criteria provided, single submitter. Criteria: DGD Variant Analysis Guidelines. Collection method: clinical testing. Allele origin: unknown.

PreventionGenetics, part of Exact Sciences
Classification: Likely benign for ATXN1-related condition. Last evaluated: 2020-03-11. Review status: no assertion criteria provided. Collection method: clinical testing. Allele origin: germline. Not counted in ClinVar's aggregate classification.
Comment: This variant is classified as likely benign based on ACMG/AMP sequence variant interpretation guidelines (Richards et al. 2015 PMID: 25741868, with internal and published modifications).

NM_001128164.2(ATXN1):c.588GCA[14] (p.Gln208dup)

Genes: ATXN1 (ataxin 1; minus strand), LOC108663993 (ataxin 1 repeat instability region; plus strand). Cytogenetic location: 6p22.3.
Variant type: Microsatellite.
Coding change: c.588GCA[14] on transcript NM_001128164.2 (MANE Select); 14 copies in a row of the 3-base unit GCA starting at c.588; the reference has 13 copies in a row; one copy, 3 bases duplicated.
Protein change: p.Gln208dup; duplicates glutamine 208.
Molecular consequence: inframe insertion. On other transcripts: no sequence alteration (1).
Genome position (GRCh38, 1-based): chr6:16,327,685-16,327,687, TGC duplicated on the plus strand (GCA on the coding strand, the reverse complement: ATXN1 is on the minus strand); duplicating any 3 consecutive bases within chr6:16,327,685-16,327,724 gives the same sequence; the position shown is the placement nearest the transcript's 3' end. VCF-style (leftmost placement, unchanged base first): chr6-16327684-A-ATGC. GRCh37 (hg19) VCF-style: chr6-16327915-A-ATGC.
Other names: c.588GCA[14], p.Gln208dup (NM_000332.4); c.*1GCA[14], p.Ter186= (NM_001357857.2); c.624_626dupGCA (NM_000332.3).
Identifiers: ClinVar variation 218439 (VCV000218439.9), dbSNP rs193922926, ClinGen allele CA248896.